The following is an entry in ClinVar:

NM_001032382.2(PQBP1):c.731C>T (p.Pro244Leu)

Gene: PQBP1 (polyglutamine binding protein 1; plus strand). Cytogenetic location: Xp11.23.
Variant type: single nucleotide variant.
Coding change: c.731C>T on transcript NM_001032382.2 (MANE Select); coding-DNA position 731, C replaced by T.
Protein change: p.Pro244Leu; replaces proline 244 with leucine.
Molecular consequence: missense variant.
Genome position (GRCh38, 1-based): chrX:48,903,017, C>T. VCF-style: chrX-48903017-C-T. GRCh37 (hg19) VCF-style: chrX-48760294-C-T.
Other names: c.731C>T, p.Pro244Leu (NM_001032381.2, NM_001032383.2, NM_001032384.1 and 1 more transcripts); c.728C>T, p.Pro243Leu (NM_001167989.2); c.707C>T, p.Pro236Leu (NM_001167990.2); c.431C>T, p.Pro144Leu (NM_001167992.1); c.446C>T, p.Pro149Leu (NM_144495.3); short protein forms P244L, P149L, P236L, P243L, P144L.
Identifiers: ClinVar variation 235848 (VCV000235848.3), dbSNP rs878853145, ClinGen allele CA10581463.

ClinVar aggregate classification (germline): Conflicting classifications of pathogenicity. Review status: criteria provided, conflicting classifications (1 of 4 stars). 2 submissions from 2 submitters: Likely pathogenic (1); Uncertain significance (1). Last evaluated 2024-04-16.

Conditions:
Renpenning syndrome. Also called: SUTHERLAND-HAAN X-LINKED MENTAL RETARDATION SYNDROME; Mental retardation, X-linked Renpenning type; X-linked mental retardation with spastic diplegia; X-linked mental retardation syndromic 3; Sutherland-Haan syndrome; GOLABI-ITO-HALL SYNDROME. Identifiers: Orphanet 3242, MedGen C0796135, MONDO:0010653, OMIM 309500.
Intellectual disability. Also called: Intellectual functioning disability; intellectual disabilities; Intellectual developmental disorder. Identifiers: MedGen C3714756, MeSH D008607, MONDO:0001071, HP:0001249.

Allele frequency attached by ClinVar (database versions not stated): gnomAD exomes below 0.00001.
gnomAD v4.1: 1 of 1,206,586 alleles (0.000083%); highest among the groups gnomAD compares: Non-Finnish European, 0.00011%; no homozygotes.

Submissions (2):

Laboratorio de Genetica e Diagnostico Molecular, Hospital Israelita Albert Einstein
Classification: Uncertain significance for Renpenning syndrome. Last evaluated: 2024-04-16. Review status: criteria provided, single submitter. Criteria: ACMG Guidelines, 2015. Collection method: clinical testing. Allele origin: germline. Affected: yes.
Comment: ACMG classification criteria: PS3 supporting, PM2 supporting, PM3 supporting, PP1 supporting, PP3 supporting

Diagnostic Laboratory, Strasbourg University Hospital
Classification: Likely pathogenic for Intellectual disability. Last evaluated: 2014-07-25. Review status: criteria provided, single submitter. Criteria: submitter's publication. Collection method: clinical testing. Allele origin: maternal. Affected: yes. Observed: 2 variant alleles, 2 hemizygotes.